The following is an entry in ClinVar:

ClinVar aggregate classification (germline): Uncertain significance. Review status: criteria provided, multiple submitters, no conflicts (2 of 4 stars). 2 submissions from 2 submitters: Uncertain significance (2). Last evaluated 2026-03-19.

Conditions:
Inborn genetic diseases. Identifiers: MedGen C0950123, MeSH D030342.
CHARGE syndrome (CHARGE). Also called: Hittner Hirsch Kreh syndrome; CHARGE ASSOCIATION--COLOBOMA, HEART ANOMALY, CHOANAL ATRESIA, RETARDATION, GENITAL AND EAR ANOMALIES; Coloboma, heart anomaly, choanal atresia, retardation, genital and ear anomalies; CHARGE association; Hall-Hittner syndrome. Identifiers: Orphanet 138, MedGen C0265354, MONDO:0008965.
Hypogonadotropic hypogonadism 5 with or without anosmia (KAL5). Also called: CHD7-Related GnRH Deficiency (Kallmann Syndrome 5); HYPOGONADOTROPIC HYPOGONADISM 5 WITH ANOSMIA; HYPOGONADOTROPHIC HYPOGONADISM 5 WITHOUT ANOSMIA. Identifiers: Orphanet 478, MedGen C3552553, MONDO:0012880, OMIM 612370. Disease mechanism: loss of function.

gnomAD v4.1: 2 of 1,572,076 alleles (0.00013%); highest among the groups gnomAD compares: Non-Finnish European, 0.00017%; no homozygotes.

Submissions (2):

Ambry Genetics
Classification: Uncertain significance for Inborn genetic diseases. Last evaluated: 2026-03-19. Review status: criteria provided, single submitter. Criteria: Ambry Variant Classification Scheme 2023. Collection method: clinical testing. Allele origin: germline.
Comment: The c.1994C>G (p.P665R) alteration is located in exon 3 (coding exon 2) of the CHD7 gene. This alteration results from a C to G substitution at nucleotide position 1994, causing the proline (P) at amino acid position 665 to be replaced by an arginine (R). Based on data from gnomAD, the G allele has an overall frequency of 0.003% (1/31332) total alleles studied. The highest observed frequency was 0.007% (1/15418) of European (non-Finnish) alleles. Based on insufficient or conflicting evidence, the clinical significance of this alteration remains unclear.

Fulgent Genetics
Classification: Uncertain significance for CHD7-related CHARGE syndrome; Hypogonadotropic hypogonadism 5 with or without anosmia. Last evaluated: 2024-02-20. Review status: criteria provided, single submitter. Criteria: ACMG Guidelines, 2015. Collection method: clinical testing. Allele origin: germline.

NM_017780.4(CHD7):c.1994C>G (p.Pro665Arg)

Genes: CHD7 (chromodomain helicase DNA binding protein 7; plus strand), LOC126860403 (CDK7 strongly-dependent group 2 enhancer GRCh37_chr8:61693034-61694233; plus strand). Cytogenetic location: 8q12.2.
Variant type: single nucleotide variant.
Coding change: c.1994C>G on transcript NM_017780.4 (MANE Select); coding-DNA position 1994, C replaced by G.
Protein change: p.Pro665Arg; replaces proline 665 with arginine.
Molecular consequence: missense variant. On other transcripts: intron variant (1).
Genome position (GRCh38, 1-based): chr8:60,781,328, C>G. VCF-style: chr8-60781328-C-G. GRCh37 (hg19) VCF-style: chr8-61693887-C-G.
Other names: c.1994C>G (NM_017780.3); c.1716+278C>G (NM_001316690.1); short protein forms P665R.
Identifiers: ClinVar variation 3595695 (VCV003595695.2).